The following is an entry in ClinVar:

ClinVar aggregate classification (germline): Conflicting classifications of pathogenicity. Review status: criteria provided, conflicting classifications (1 of 4 stars). 2 submissions from 2 submitters: Likely pathogenic (1); Uncertain significance (1). Last evaluated 2025-07-23.

Conditions:
Neurofibromatosis, type 2 (SWNV). Also called: BILATERAL ACOUSTIC NEUROFIBROMATOSIS; NF2-Related Schwannomatosis; SCHWANNOMATOSIS, VESTIBULAR. Identifiers: Orphanet 637, MedGen C0027832, MONDO:0007039, OMIM 101000. Disease mechanism: loss of function.
NF2-related disorder. Also called: NF2-related condition.

Submissions (2):

Labcorp Genetics (formerly Invitae), Labcorp
Classification: Uncertain significance for Neurofibromatosis, type 2. Last evaluated: 2025-07-23. Review status: criteria provided, single submitter. Criteria: Invitae Variant Classification Sherloc (09022015). Collection method: clinical testing. Allele origin: germline.
Comment: This sequence change replaces glutamic acid, which is acidic and polar, with aspartic acid, which is acidic and polar, at codon 38 of the NF2 protein (p.Glu38Asp). This variant also falls at the last nucleotide of exon 1, which is part of the consensus splice site for this exon. This variant is not present in population databases (gnomAD no frequency). This missense change has been observed in individual(s) with neurofibromatosis type 2 (PMID: 35729665). An algorithm developed to predict the effect of missense changes on protein structure and function (PolyPhen-2) suggests that this variant is likely to be disruptive. Variants that disrupt the consensus splice site are a relatively common cause of aberrant splicing (PMID: 17576681, 9536098). Algorithms developed to predict the effect of sequence changes on RNA splicing suggest that this variant may disrupt the consensus splice site. This variant disrupts the p.Glu38 amino acid residue in NF2. Other variant(s) that disrupt this residue have been observed in individuals with NF2-related conditions (PMID: 8751853), which suggests that this may be a clinically significant amino acid residue. In summary, the available evidence is currently insufficient to determine the role of this variant in disease. Therefore, it has been classified as a Variant of Uncertain Significance.

Blueprint Genetics
Classification: Likely pathogenic for NF2-related disorders. Last evaluated: 2022-10-05. Review status: criteria provided, single submitter. Criteria: ACMG Guidelines, 2015. Collection method: clinical testing. Allele origin: germline. Affected: yes. Observed: 1 variant allele.

Literature cited by the submitters: PubMed 35729665 (cited by Labcorp Genetics (formerly Invitae), Labcorp); PubMed 17576681 (cited by Labcorp Genetics (formerly Invitae), Labcorp); PubMed 9536098 (cited by Labcorp Genetics (formerly Invitae), Labcorp); PubMed 8751853 (cited by Labcorp Genetics (formerly Invitae), Labcorp).

NM_000268.4(NF2):c.114G>C (p.Glu38Asp)

Gene: NF2 (NF2, moesin-ezrin-radixin like (MERLIN) tumor suppressor; plus strand). Cytogenetic location: 22q12.2.
Variant type: single nucleotide variant.
Coding change: c.114G>C on transcript NM_000268.4 (MANE Select); coding-DNA position 114, G replaced by C.
Protein change: p.Glu38Asp; replaces glutamic acid 38 with aspartic acid.
Molecular consequence: missense variant. On other transcripts: 5 prime UTR variant (4), non-coding transcript variant (1).
Genome position (GRCh38, 1-based): chr22:29,604,112, G>C. VCF-style: chr22-29604112-G-C. GRCh37 (hg19) VCF-style: chr22-30000101-G-C.
Other names: c.-117G>C (NM_001407053.1, NM_001407056.1); c.114G>C, p.Glu38Asp (NM_001407054.1, NM_001407055.1, NM_001407057.1 and 15 more transcripts); c.-527G>C (NM_001407065.1); c.-143G>C (NM_001407067.1); short protein forms E38D.
Identifiers: ClinVar variation 4710845 (VCV004710845.2).
Genomic context (GRCh38, chr22:29,604,112, plus strand): 5'-ACCCAAGACGTTCACCGTGAGGATCGTCACCATGGACGCCGAGATGGAGTTCAATTGCGA[G>C]GTAACCGGCCGGCAGCCCCGACTGCTGCGGTGACAGTCGAGGTGGAAGCTCGAGAGGTTC-3'
Protein context (NP_000259.1, residues 28-48): TMDAEMEFNC[Glu38Asp]MKWKGKDLFD